The following is an entry in ClinVar:

NM_033380.3(COL4A5):c.81+2T>G

Gene: COL4A5 (collagen type IV alpha 5 chain; plus strand). Cytogenetic location: Xq22.3.
Variant type: single nucleotide variant.
Coding change: c.81+2T>G on transcript NM_033380.3 (MANE Select); the canonical splice donor site of the intron after coding-DNA position 81, T replaced by G.
Molecular consequence: splice donor variant.
Genome position (GRCh38, 1-based): chrX:108,440,208, T>G. VCF-style: chrX-108440208-T-G. GRCh37 (hg19) VCF-style: chrX-107683438-T-G.
Other names: c.81+2T>G (NM_000495.5).
Identifiers: ClinVar variation 3776106 (VCV003776106.1).

ClinVar aggregate classification (germline): Likely pathogenic (1 of 4 stars; one submission).

Conditions:
X-linked Alport syndrome (ATS1). Also called: NEPHROPATHY AND DEAFNESS, X-LINKED; COL4A5-Related Nephropathy. Identifiers: Orphanet 63, Orphanet 88917, MedGen C4746986, MONDO:0010520, OMIM 301050.

Submission:

3billion
Classification: Likely pathogenic for X-linked Alport syndrome. Last evaluated: 2024-01-22. Review status: criteria provided, single submitter. Criteria: ACMG Guidelines, 2015. Collection method: clinical testing. Allele origin: germline. Affected: yes.
Comment: The variant is not observed in the gnomAD v2.1.1 dataset. Predicted Consequence/Location: Canonical splice site: predicted to alter splicing and result in a loss or disruption of normal protein function. Multiple pathogenic loss-of-function variants are reported downstream of the variant. In silico tools predict the variant to alter splicing and produce an abnormal transcript [Splice AI: 1.00 (spliceogenicity >=0.2, non-spliceogenicity <0.1)]. Therefore, this variant is classified as Likely pathogenic according to the recommendation of ACMG/AMP guideline.